The following is an entry in ClinVar:

NM_006265.3(RAD21):c.1705-222A>G

Gene: RAD21 (RAD21 cohesin complex component; minus strand). Cytogenetic location: 8q24.11.
Variant type: single nucleotide variant.
Coding change: c.1705-222A>G on transcript NM_006265.3 (MANE Select); 222 bases into the intron before coding-DNA position 1705, A replaced by G.
Molecular consequence: intron variant.
Genome position (GRCh38, 1-based): chr8:116,847,913, T>C on the plus strand (A>G on the coding strand, the complement: RAD21 is on the minus strand). VCF-style: chr8-116847913-T-C. GRCh37 (hg19) VCF-style: chr8-117860152-T-C.
Identifiers: ClinVar variation 669108 (VCV000669108.1), dbSNP rs16888887, ClinGen allele CA12846004.

ClinVar aggregate classification (germline): Benign (1 of 4 stars; one submission).

Allele frequency attached by ClinVar (database versions not stated): gnomAD 0.13110 and 0.13592; 1000 Genomes Project 30x 0.13164; 1000 Genomes Project 0.13239; TOPMed 0.13328.
gnomAD v4.1: 20,647 of 152,186 alleles (14%); highest among the groups gnomAD compares: Admixed American, 21%; 1,761 homozygotes.

Submission:

GeneDx
Classification: Benign. Last evaluated: 2018-06-16. Review status: criteria provided, single submitter. Criteria: GeneDx Variant Classification (06012015). Collection method: clinical testing. Allele origin: germline. Affected: yes.
Comment: This variant is considered likely benign or benign based on one or more of the following criteria: it is a conservative change, it occurs at a poorly conserved position in the protein, it is predicted to be benign by multiple in silico algorithms, and/or has population frequency not consistent with disease.